The following is an entry in ClinVar:

ClinVar aggregate classification (germline): Uncertain significance. Review status: criteria provided, multiple submitters, no conflicts (2 of 4 stars). 5 submissions from 5 submitters: Uncertain significance (5). Last evaluated 2025-03-20.

Conditions:
Familial adenomatous polyposis 1 (FAP1). Also called: FAMILIAL ADENOMATOUS POLYPOSIS 1, ATTENUATED; POLYPOSIS, ADENOMATOUS INTESTINAL. Identifiers: MedGen C2713442, MONDO:0021056, OMIM 175100. Disease mechanism: loss of function.
Classic or attenuated familial adenomatous polyposis. Identifiers: MedGen CN372698, MONDO:0021057.
Hereditary cancer-predisposing syndrome. Also called: Neoplastic Syndromes, Hereditary; Tumor predisposition; Hereditary Cancer Syndrome; Hereditary neoplastic syndrome. Identifiers: Orphanet 140162, MedGen C0027672, MeSH D009386, MONDO:0015356.

Allele frequency attached by ClinVar (database versions not stated): gnomAD exomes below 0.00001.
gnomAD v4.1: 2 of 1,614,178 alleles (0.00012%); highest among the groups gnomAD compares: Admixed American, 0.0017%; no homozygotes.

Submissions (5):

Labcorp Genetics (formerly Invitae), Labcorp
Classification: Uncertain significance for Familial adenomatous polyposis 1. Last evaluated: 2025-03-20. Review status: criteria provided, single submitter. Criteria: Invitae Variant Classification Sherloc (09022015). Collection method: clinical testing. Allele origin: germline.
Comment: This sequence change replaces serine, which is neutral and polar, with leucine, which is neutral and non-polar, at codon 823 of the APC protein (p.Ser823Leu). This variant is not present in population databases (gnomAD no frequency). This variant has not been reported in the literature in individuals affected with APC-related conditions. ClinVar contains an entry for this variant (Variation ID: 821327). Invitae Evidence Modeling of protein sequence and biophysical properties (such as structural, functional, and spatial information, amino acid conservation, physicochemical variation, residue mobility, and thermodynamic stability) indicates that this missense variant is not expected to disrupt APC protein function with a negative predictive value of 95%. In summary, the available evidence is currently insufficient to determine the role of this variant in disease. Therefore, it has been classified as a Variant of Uncertain Significance.

Ambry Genetics
Classification: Uncertain significance for Hereditary cancer-predisposing syndrome. Last evaluated: 2024-03-29. Review status: criteria provided, single submitter. Criteria: Ambry Variant Classification Scheme 2023. Collection method: clinical testing. Allele origin: germline.
Comment: The p.S823L variant (also known as c.2468C>T), located in coding exon 15 of the APC gene, results from a C to T substitution at nucleotide position 2468. The serine at codon 823 is replaced by leucine, an amino acid with dissimilar properties. This amino acid position is well conserved in available vertebrate species. In addition, in silico predictors for this gene do not accurately predict pathogenicity. Since supporting evidence is limited at this time, the clinical significance of this alteration remains unclear.

Baylor Genetics
Classification: Uncertain significance for Familial adenomatous polyposis 1. Last evaluated: 2024-03-29. Review status: criteria provided, single submitter. Criteria: ACMG Guidelines, 2015. Collection method: clinical testing. Allele origin: unknown.

GeneDx
Classification: Uncertain significance. Last evaluated: 2024-03-07. Review status: criteria provided, single submitter. Criteria: GeneDx Variant Classification Process June 2021. Collection method: clinical testing. Allele origin: germline. Affected: yes.
Comment: Not observed at significant frequency in large population cohorts (gnomAD); In silico analysis supports that this missense variant has a deleterious effect on protein structure/function; Has not been previously published as pathogenic or benign to our knowledge

All of Us Research Program, National Institutes of Health
Classification: Uncertain significance for Classic or attenuated familial adenomatous polyposis. Last evaluated: 2023-06-26. Review status: criteria provided, single submitter. Criteria: ACMG Guidelines, 2015. Collection method: clinical testing. Allele origin: germline. Inheritance: Autosomal dominant inheritance. Observed: 1 variant allele, 1 heterozygote.
Comment: This missense variant replaces serine with leucine at codon 823 of the APC protein. Computational prediction suggests that this variant may not impact protein structure and function (internally defined REVEL score threshold <= 0.5, PMID: 27666373). To our knowledge, functional studies have not been reported for this variant. This variant has not been reported in individuals affected with APC-related disorders in the literature. This variant has not been identified in the general population by the Genome Aggregation Database (gnomAD). The available evidence is insufficient to determine the role of this variant in disease conclusively. Therefore, this variant is classified as a Variant of Uncertain Significance.

This study involves interpretation of variants in research participants for the purpose of population health screening. Participant phenotype was not available at the time of variant classification. Additional details can be found in publication PMID: 35346344, PMCID: PMC8962531

NM_000038.6(APC):c.2468C>T (p.Ser823Leu)

Gene: APC (APC regulator of Wnt signaling pathway; plus strand). Cytogenetic location: 5q22.2.
Variant type: single nucleotide variant.
Coding change: c.2468C>T on transcript NM_000038.6 (MANE Select); coding-DNA position 2468, C replaced by T.
Protein change: p.Ser823Leu; replaces serine 823 with leucine.
Molecular consequence: missense variant.
Genome position (GRCh38, 1-based): chr5:112,838,062, C>T. VCF-style: chr5-112838062-C-T. GRCh37 (hg19) VCF-style: chr5-112173759-C-T.
Other names: c.2468C>T, p.Ser823Leu (NM_001127510.3, NM_001354895.2); c.2414C>T, p.Ser805Leu (NM_001127511.3); c.2522C>T, p.Ser841Leu (NM_001354896.2); c.2498C>T, p.Ser833Leu (NM_001354897.2); c.2393C>T, p.Ser798Leu (NM_001354898.2); c.2384C>T, p.Ser795Leu (NM_001354899.2); c.2345C>T, p.Ser782Leu (NM_001354900.2); c.2291C>T, p.Ser764Leu (NM_001354901.2); and 5 more; short protein forms S663L, S722L, S764L, S540L, S697L, S798L, S805L, S833L.
Identifiers: ClinVar variation 821327 (VCV000821327.19), dbSNP rs1580622630, ClinGen allele CA16026752.